The following is an entry in ClinVar:

ClinVar aggregate classification (germline): Pathogenic. Review status: criteria provided, multiple submitters, no conflicts (2 of 4 stars). 8 submissions from 8 submitters: Pathogenic (7). 1 of the submissions does not count toward it. Last evaluated 2026-01-21.

Conditions:
Hereditary cancer-predisposing syndrome. Also called: Hereditary Cancer Syndrome; Tumor predisposition; Neoplastic Syndromes, Hereditary; Hereditary neoplastic syndrome. Identifiers: Orphanet 140162, MedGen C0027672, MeSH D009386, MONDO:0015356.
Familial cancer of breast. Also called: hereditary breast carcinoma; BREAST CANCER, FAMILIAL; Hereditary breast cancer. Identifiers: Orphanet 227535, MedGen C0346153, MONDO:0016419, OMIM 114480. Disease mechanism: loss of function.
Ataxia-telangiectasia syndrome (AT). Also called: ATAXIA-TELANGIECTASIA, COMPLEMENTATION GROUP A; ATAXIA-TELANGIECTASIA, FRESNO VARIANT; Ataxia-telangiectasia; Ataxia-telangiectasia, complementation group E; Cerebello-oculocutaneous telangiectasia; Immunodeficiency with ataxia telangiectasia. Identifiers: Orphanet 100, MedGen C0004135, MONDO:0008840, OMIM 208900.

Submissions (8):

Labcorp Genetics (formerly Invitae), Labcorp
Classification: Pathogenic for Ataxia-telangiectasia syndrome. Last evaluated: 2026-01-21. Review status: criteria provided, single submitter. Criteria: Invitae Variant Classification Sherloc (09022015). Collection method: clinical testing. Allele origin: germline.
Comment: This sequence change creates a premature translational stop signal (p.Pro2614Aspfs*18) in the ATM gene. It is expected to result in an absent or disrupted protein product. Loss-of-function variants in ATM are known to be pathogenic (PMID: 23807571, 25614872). This variant is not present in population databases (gnomAD no frequency). This premature translational stop signal has been observed in individual(s) with breast cancer (PMID: 26681312). ClinVar contains an entry for this variant (Variation ID: 181864). RNA analysis performed to evaluate the impact of this premature translational stop signal on mRNA splicing indicates it does not significantly alter splicing (internal data). For these reasons, this variant has been classified as Pathogenic.

Ambry Genetics
Classification: Pathogenic for Hereditary cancer-predisposing syndrome. Last evaluated: 2025-06-24. Review status: criteria provided, single submitter. Criteria: Ambry Variant Classification Scheme 2023. Collection method: clinical testing. Allele origin: germline.
Comment: The c.7838_7839dupGA pathogenic mutation, located in coding exon 52 of the ATM gene, results from a duplication of GA at nucleotide position 7838, causing a translational frameshift with a predicted alternate stop codon (p.P2614Dfs*18). This alteration was reported in a patient with ataxia telangiectasia who also had another ATM gene mutation (Verhagen MM et al. Neuropathology, 2012 Jun;32:234-44). This alteration was also identified in 1/10030 consecutive patients referred for evaluation by an NGS hereditary cancer panel (Susswein LR et al. Genet. Med., 2016 08;18:823-32). This alteration was identified amongst a cohort of British prostate cancer patients (Ruan X et al. J Transl Med, 2023 Jul;21:446). This variant is considered to be rare based on population cohorts in the Genome Aggregation Database (gnomAD). In addition to the clinical data presented in the literature, this alteration is expected to result in loss of function by premature protein truncation or nonsense-mediated mRNA decay. As such, this alteration is interpreted as a disease-causing mutation.

Myriad Genetics, Inc.
Classification: Pathogenic for Familial cancer of breast. Last evaluated: 2024-02-01. Review status: criteria provided, single submitter. Criteria: Myriad Autosomal Dominant, Autosomal Recessive and X-Linked Classification Criteria (2023). Collection method: clinical testing. Allele origin: unknown.
Comment: This variant is considered pathogenic. This variant creates a frameshift predicted to result in premature protein truncation.

Baylor Genetics
Classification: Pathogenic for Familial cancer of breast. Last evaluated: 2023-09-19. Review status: criteria provided, single submitter. Criteria: ACMG Guidelines, 2015. Collection method: clinical testing. Allele origin: unknown.

GeneDx
Classification: Pathogenic. Last evaluated: 2023-06-09. Review status: criteria provided, single submitter. Criteria: GeneDx Variant Classification Process June 2021. Collection method: clinical testing. Allele origin: germline. Affected: yes.
Comment: Frameshift variant predicted to result in protein truncation or nonsense mediated decay in a gene for which loss of function is a known mechanism of disease; Not observed at significant frequency in large population cohorts (gnomAD); Truncating variants in this gene are considered pathogenic by a well-established clinical consortium and/or database; Observed in an individual with breast cancer (Susswein et al., 2016); This variant is associated with the following publications: (PMID: 22017321, 26681312, 26896183)

Sema4
Classification: Pathogenic for Hereditary cancer-predisposing syndrome. Last evaluated: 2022-01-27. Review status: criteria provided, single submitter. Criteria: Sema4 Curation Guidelines. Collection method: curation. Allele origin: germline.
Comment: The ATM c.7838_7839dupGA (p.P2614DfsX18) variant has been reported as compound heterozygous in at least two individuals with ataxia telangiectasia (PMID: 22017321, 26896183). It has also been reported in heterozygosity in at least one individual with breast cancer (PMID: 26681312). This variant causes a frameshift at amino acid 2614 that results in premature termination 18 amino acids downstream. At this location, this variant is predicted to cause loss of normal protein function either through protein truncation or nonsense-mediated mRNA decay. Loss of function of the ATM gene is an established disease mechanism (PMID: 31050087). This variant is not reported in the population database Genome Aggregation Database (PMID: 32461654). This variant has been reported in ClinVar (Variation ID: 181864). Based on the current evidence available, this variant is interpreted as pathogenic.

Women's Health and Genetics/Laboratory Corporation of America, LabCorp
Classification: Pathogenic for Ataxia-telangiectasia syndrome. Last evaluated: 2021-09-03. Review status: criteria provided, single submitter. Criteria: LabCorp Variant Classification Summary - May 2015. Collection method: clinical testing. Allele origin: germline.
Comment: Variant summary: ATM c.7838_7839dupGA (p.Pro2614AspfsX18) results in a premature termination codon, predicted to cause a truncation of the encoded protein or absence of the protein due to nonsense mediated decay, which are commonly known mechanisms for disease. Truncations downstream of this position have been classified as pathogenic by our laboratory. The variant was absent in 250772 control chromosomes (gnomAD). c.7838_7839dupGA has been reported in the literature in individuals affected with Ataxia-Telangiectasia (Verhagen_2012, Jackson_2016), while it was also reported in an individual affected with breast cancer (Susswein_2016). These data indicate that the variant is likely to be associated with disease. Three ClinVar submitters (evaluation after 2014) cite the variant as pathogenic/likely pathogenic. Based on the evidence outlined above, the variant was classified as pathogenic.

Counsyl
Classification: Likely pathogenic for Ataxia-telangiectasia syndrome. Last evaluated: 2017-01-06. Review status: no assertion criteria provided. Collection method: clinical testing. Allele origin: unknown. Not counted in ClinVar's aggregate classification.

Literature cited by the submitters: PubMed 23807571 (cited by Labcorp Genetics (formerly Invitae), Labcorp); PubMed 25614872 (cited by Labcorp Genetics (formerly Invitae), Labcorp); PubMed 26681312 (cited by 4 submitters); PubMed 22017321 (cited by 3 submitters); PubMed 37415201 (cited by Ambry Genetics); PubMed 26896183 (cited by Sema4 and Women's Health and Genetics/Laboratory Corporation of America, LabCorp); PubMed 31050087 (cited by Sema4).

NM_000051.4(ATM):c.7838_7839dup (p.Pro2614fs)

Genes: ATM (ATM serine/threonine kinase; plus strand), C11orf65 (chromosome 11 open reading frame 65; minus strand). Cytogenetic location: 11q22.3.
Variant type: Microsatellite.
Coding change: c.7838_7839dup on transcript NM_000051.4 (MANE Select); coding-DNA positions 7838 to 7839, 2 bases duplicated (GA; older notation c.7838_7839dupGA).
Protein change: p.Pro2614fs; shifts the reading frame from proline 2614.
Molecular consequence: frameshift variant. On other transcripts: intron variant (2).
Genome position (GRCh38, 1-based): chr11:108,332,811-108,332,812, GA duplicated; duplicating any 2 consecutive bases within chr11:108,332,809-108,332,812 gives the same sequence; the c. name uses the placement nearest the transcript's 3' end. VCF-style (leftmost placement, unchanged base first): chr11-108332808-G-GGA. GRCh37 (hg19) VCF-style: chr11-108203535-G-GGA.
Other names: c.7838_7839dupGA (NM_000051.3); c.7838_7839dup, p.Pro2614fs (NM_001351834.2); c.641-23741TC[3] (NM_001330368.2); c.*38+2408TC[3] (NM_001351110.2); c.7838_7839dup (NM_000051.3); short protein forms P2614fs.
Identifiers: ClinVar variation 181864 (VCV000181864.20), dbSNP rs730881293, ClinGen allele CA298008.